The following is an entry in ClinVar:

ClinVar aggregate classification (germline): Uncertain significance. Review status: criteria provided, multiple submitters, no conflicts (2 of 4 stars). 2 submissions from 2 submitters: Uncertain significance (2). Last evaluated 2025-10-17.

Conditions:
Hereditary cancer-predisposing syndrome. Also called: Neoplastic Syndromes, Hereditary; Tumor predisposition; Hereditary Cancer Syndrome; Hereditary neoplastic syndrome. Identifiers: Orphanet 140162, MedGen C0027672, MeSH D009386, MONDO:0015356.
Gastrointestinal stromal tumor. Also called: Gastrointestinal stromal tumor, somatic; Gastrointestinal stroma tumor. Identifiers: Orphanet 44890, MedGen C0238198, MeSH D046152, MONDO:0011719, OMIM 606764, HP:0100723.

Submissions (2):

Ambry Genetics
Classification: Uncertain significance for Hereditary cancer-predisposing syndrome. Last evaluated: 2025-10-17. Review status: criteria provided, single submitter. Criteria: Ambry Variant Classification Scheme 2023. Collection method: clinical testing. Allele origin: germline.
Comment: The p.T132K variant (also known as c.395C>A), located in coding exon 3 of the KIT gene, results from a C to A substitution at nucleotide position 395. The threonine at codon 132 is replaced by lysine, an amino acid with similar properties. This amino acid position is conserved. In addition, this alteration is predicted to be tolerated by in silico analysis. Based on the available evidence, the clinical significance of this variant remains unclear.

Labcorp Genetics (formerly Invitae), Labcorp
Classification: Uncertain significance for Gastrointestinal stromal tumor. Last evaluated: 2024-11-14. Review status: criteria provided, single submitter. Criteria: Invitae Variant Classification Sherloc (09022015). Collection method: clinical testing. Allele origin: germline.
Comment: This sequence change replaces threonine, which is neutral and polar, with lysine, which is basic and polar, at codon 132 of the KIT protein (p.Thr132Lys). This variant is not present in population databases (gnomAD no frequency). This variant has not been reported in the literature in individuals affected with KIT-related conditions. An algorithm developed to predict the effect of missense changes on protein structure and function (PolyPhen-2) suggests that this variant is likely to be tolerated. In summary, the available evidence is currently insufficient to determine the role of this variant in disease. Therefore, it has been classified as a Variant of Uncertain Significance.

NM_000222.3(KIT):c.395C>A (p.Thr132Lys)

Gene: KIT (KIT proto-oncogene, receptor tyrosine kinase; plus strand). Cytogenetic location: 4q12.
Variant type: single nucleotide variant.
Coding change: c.395C>A on transcript NM_000222.3 (MANE Select); coding-DNA position 395, C replaced by A.
Protein change: p.Thr132Lys; replaces threonine 132 with lysine.
Molecular consequence: missense variant.
Genome position (GRCh38, 1-based): chr4:54,698,341, C>A. VCF-style: chr4-54698341-C-A. GRCh37 (hg19) VCF-style: chr4-55564507-C-A.
Other names: c.395C>A, p.Thr132Lys (NM_001093772.2, NM_001385284.1, NM_001385285.1 and 4 more transcripts); short protein forms T132K.
Identifiers: ClinVar variation 3725235 (VCV003725235.2).